The following is an entry in ClinVar:

ClinVar aggregate classification (germline): Uncertain significance (1 of 4 stars; one submission).

gnomAD v4.1: 2 of 1,612,690 alleles (0.00012%); highest among the groups gnomAD compares: African/African-American, 0.0027%; no homozygotes.

Submission:

GeneDx
Classification: Uncertain significance. Last evaluated: 2026-02-05. Review status: criteria provided, single submitter. Criteria: GeneDx Variant Classification Process June 2021. Collection method: clinical testing. Allele origin: germline.
Comment: Not observed at significant frequency in large population cohorts (gnomAD); In silico analysis supports that this missense variant has a deleterious effect on protein structure/function; Has not been previously published as pathogenic or benign to our knowledge

NM_001849.4(COL6A2):c.1730C>A (p.Pro577His)

Gene: COL6A2 (collagen type VI alpha 2 chain; plus strand). Cytogenetic location: 21q22.3.
Variant type: single nucleotide variant.
Coding change: c.1730C>A on transcript NM_001849.4 (MANE Select); coding-DNA position 1730, C replaced by A.
Protein change: p.Pro577His; replaces proline 577 with histidine.
Molecular consequence: missense variant.
Genome position (GRCh38, 1-based): chr21:46,124,709, C>A. VCF-style: chr21-46124709-C-A. GRCh37 (hg19) VCF-style: chr21-47544623-C-A.
Other names: c.1730C>A, p.Pro577His (NM_058174.3, NM_058175.3); short protein forms P577H.
Identifiers: ClinVar variation 4975704 (VCV004975704.1).